The following is an entry in ClinVar:

ClinVar aggregate classification (germline): Uncertain significance (1 of 4 stars; one submission).

Allele frequency attached by ClinVar (database versions not stated): TOPMed 0.00002.
gnomAD v4.1: 9 of 1,614,176 alleles (0.00056%); highest among the groups gnomAD compares: Admixed American, 0.015%; no homozygotes.

Submission:

Labcorp Genetics (formerly Invitae), Labcorp
Classification: Uncertain significance. Last evaluated: 2025-09-15. Review status: criteria provided, single submitter. Criteria: Invitae Variant Classification Sherloc (09022015). Collection method: clinical testing. Allele origin: germline.
Comment: This sequence change replaces methionine, which is neutral and non-polar, with threonine, which is neutral and polar, at codon 594 of the CNGA1 protein (p.Met594Thr). This variant is present in population databases (rs766717829, gnomAD 0.03%). This variant has not been reported in the literature in individuals affected with CNGA1-related conditions. ClinVar contains an entry for this variant (Variation ID: 934602). Invitae Evidence Modeling of protein sequence and biophysical properties (such as structural, functional, and spatial information, amino acid conservation, physicochemical variation, residue mobility, and thermodynamic stability) indicates that this missense variant is not expected to disrupt CNGA1 protein function with a negative predictive value of 80%. In summary, the available evidence is currently insufficient to determine the role of this variant in disease. Therefore, it has been classified as a Variant of Uncertain Significance.

NM_001379270.1(CNGA1):c.1769T>C (p.Met590Thr)

Genes: CNGA1 (cyclic nucleotide gated channel subunit alpha 1; minus strand), LOC101927157 (uncharacterized LOC101927157; plus strand). Cytogenetic location: 4p12.
Variant type: single nucleotide variant.
Coding change: c.1769T>C on transcript NM_001379270.1 (MANE Select); coding-DNA position 1769, T replaced by C.
Protein change: p.Met590Thr; replaces methionine 590 with threonine.
Molecular consequence: missense variant.
Genome position (GRCh38, 1-based): chr4:47,936,713, A>G on the plus strand (T>C on the coding strand, the complement: CNGA1 is on the minus strand). VCF-style: chr4-47936713-A-G. GRCh37 (hg19) VCF-style: chr4-47938730-A-G.
Other names: c.1769T>C, p.Met590Thr (NM_000087.5, NM_001142564.2); short protein forms M590T.
Identifiers: ClinVar variation 934602 (VCV000934602.9), dbSNP rs766717829, ClinGen allele CA2911016.